The following is an entry in ClinVar:

NM_001904.4(CTNNB1):c.1619T>C (p.Leu540Pro)

Genes: CTNNB1 (catenin beta 1; plus strand), LOC126806659 (BRD4-independent group 4 enhancer GRCh37_chr3:41274918-41276117; plus strand). Cytogenetic location: 3p22.1.
Variant type: single nucleotide variant.
Coding change: c.1619T>C on transcript NM_001904.4 (MANE Select); coding-DNA position 1619, T replaced by C.
Protein change: p.Leu540Pro; replaces leucine 540 with proline.
Molecular consequence: missense variant.
Genome position (GRCh38, 1-based): chr3:41,234,233, T>C. VCF-style: chr3-41234233-T-C. GRCh37 (hg19) VCF-style: chr3-41275724-T-C.
Other names: c.1619T>C, p.Leu540Pro (NM_001098209.2, NM_001098210.2); c.1598T>C, p.Leu533Pro (NM_001330729.2); short protein forms L533P, L540P.
Identifiers: ClinVar variation 2023611 (VCV002023611.4), dbSNP rs2470834862, ClinGen allele CA352234306.

ClinVar aggregate classification (germline): Uncertain significance (1 of 4 stars; one submission).

Submission:

Labcorp Genetics (formerly Invitae), Labcorp
Classification: Uncertain significance. Last evaluated: 2021-12-02. Review status: criteria provided, single submitter. Criteria: Invitae Variant Classification Sherloc (09022015). Collection method: clinical testing. Allele origin: germline.
Comment: In summary, the available evidence is currently insufficient to determine the role of this variant in disease. Therefore, it has been classified as a Variant of Uncertain Significance. Algorithms developed to predict the effect of missense changes on protein structure and function are either unavailable or do not agree on the potential impact of this missense change (SIFT: "Deleterious"; PolyPhen-2: "Probably Damaging"; Align-GVGD: "Class C0"). This variant has not been reported in the literature in individuals affected with CTNNB1-related conditions. This variant is not present in population databases (gnomAD no frequency). This sequence change replaces leucine, which is neutral and non-polar, with proline, which is neutral and non-polar, at codon 540 of the CTNNB1 protein (p.Leu540Pro).